The following is an entry in ClinVar:

NM_000218.3(KCNQ1):c.1725C>T (p.Ser575=)

Gene: KCNQ1 (potassium voltage-gated channel subfamily Q member 1; plus strand). Cytogenetic location: 11p15.5.
Variant type: single nucleotide variant.
Coding change: c.1725C>T on transcript NM_000218.3 (MANE Select); coding-DNA position 1725, C replaced by T.
Protein change: p.Ser575=; no amino-acid change (serine 575 retained).
Molecular consequence: synonymous variant.
Genome position (GRCh38, 1-based): chr11:2,777,025, C>T. VCF-style: chr11-2777025-C-T. GRCh37 (hg19) VCF-style: chr11-2798255-C-T.
Other names: c.1629C>T, p.Ser543= (NM_001406836.1); c.1455C>T, p.Ser485= (NM_001406837.1); c.1185C>T, p.Ser395= (NM_001406838.1); c.1344C>T, p.Ser448= (NM_181798.2).
Identifiers: ClinVar variation 1171160 (VCV001171160.22), dbSNP rs199561157, ClinGen allele CA032234.

ClinVar aggregate classification (germline): Likely benign. Review status: criteria provided, multiple submitters, no conflicts (2 of 4 stars). 4 submissions from 4 submitters: Likely benign (4). Last evaluated 2025-12-29.

Conditions:
Long QT syndrome (LQTS). Identifiers: MedGen C0023976, MeSH D008133, MONDO:0002442. Disease mechanism: loss of function. Inheritance: Various modes of inheritance.
Cardiac arrhythmia. Also called: Cardiac rhythm disease; Arrhythmia. Identifiers: MedGen C0003811, MONDO:0007263, HP:0011675.

Allele frequency attached by ClinVar (database versions not stated): TOPMed below 0.00001; ExAC 0.00001; gnomAD exomes 0.00001 and 0.00002.
gnomAD v4.1: 18 of 1,614,098 alleles (0.0011%); highest among the groups gnomAD compares: Middle Eastern, 0.016%; no homozygotes.

Submissions (4):

Labcorp Genetics (formerly Invitae), Labcorp
Classification: Likely benign for Long QT syndrome. Last evaluated: 2025-12-29. Review status: criteria provided, single submitter. Criteria: Invitae Variant Classification Sherloc (09022015). Collection method: clinical testing. Allele origin: germline.

CeGaT Center for Human Genetics Tuebingen
Classification: Likely benign. Last evaluated: 2025-08-01. Review status: criteria provided, single submitter. Criteria: CeGaT Center For Human Genetics Tuebingen Variant Classification Criteria Version 2. Collection method: clinical testing. Allele origin: germline. Affected: yes. Observed: 1 variant allele.
Comment: KCNQ1: BP4, BP7

All of Us Research Program, National Institutes of Health
Classification: Likely benign for Long QT syndrome. Last evaluated: 2024-05-14. Review status: criteria provided, single submitter. Criteria: ACMG Guidelines, 2015. Collection method: clinical testing. Allele origin: germline. Inheritance: Autosomal dominant inheritance. Observed: 3 variant alleles, 3 heterozygotes.
Comment: This study involves interpretation of variants in research participants for the purpose of population health screening. Participant phenotype was not available at the time of variant classification. Additional details can be found in publication PMID: 35346344, PMCID: PMC8962531

Color Diagnostics, LLC DBA Color Health
Classification: Likely benign for Cardiac arrhythmia. Last evaluated: 2020-11-09. Review status: criteria provided, single submitter. Criteria: ACMG Guidelines, 2015. Collection method: clinical testing. Allele origin: germline.